The following is an entry in ClinVar:

NM_001572.5(IRF7):c.1140G>A (p.Val380=)

Gene: IRF7 (interferon regulatory factor 7; minus strand). Cytogenetic location: 11p15.5.
Variant type: single nucleotide variant.
Coding change: c.1140G>A on transcript NM_001572.5 (MANE Select); coding-DNA position 1140, G replaced by A.
Protein change: p.Val380=; no amino-acid change (valine 380 retained).
Molecular consequence: synonymous variant.
Genome position (GRCh38, 1-based): chr11:613,303, C>T on the plus strand (G>A on the coding strand, the complement: IRF7 is on the minus strand). VCF-style: chr11-613303-C-T. GRCh37 (hg19) VCF-style: chr11-613303-C-T.
Other names: c.1053G>A, p.Val351= (NM_004029.4); c.1179G>A, p.Val393= (NM_004031.4).
Identifiers: ClinVar variation 1978430 (VCV001978430.4), dbSNP rs2493896206, ClinGen allele CA472434313.

ClinVar aggregate classification (germline): Uncertain significance (1 of 4 stars; one submission).

Conditions:
Immunodeficiency 39 (IMD39). Identifiers: Orphanet 574918, MedGen C4225358, MONDO:0014597, OMIM 616345.

Allele frequency attached by ClinVar (database versions not stated): gnomAD exomes below 0.00001.

Submission:

Labcorp Genetics (formerly Invitae), Labcorp
Classification: Uncertain significance for Immunodeficiency 39. Last evaluated: 2022-10-27. Review status: criteria provided, single submitter. Criteria: Invitae Variant Classification Sherloc (09022015). Collection method: clinical testing. Allele origin: germline.
Comment: In summary, the available evidence is currently insufficient to determine the role of this variant in disease. Therefore, it has been classified as a Variant of Uncertain Significance. Algorithms developed to predict the effect of sequence changes on RNA splicing suggest that this variant may create or strengthen a splice site. This variant has not been reported in the literature in individuals affected with IRF7-related conditions. This variant is not present in population databases (gnomAD no frequency). This sequence change affects codon 393 of the IRF7 mRNA. It is a 'silent' change, meaning that it does not change the encoded amino acid sequence of the IRF7 protein.